The following is an entry in ClinVar:

NM_000548.5(TSC2):c.4713C>T (p.Tyr1571=)

Gene: TSC2 (TSC complex subunit 2; plus strand). Cytogenetic location: 16p13.3.
Variant type: single nucleotide variant.
Coding change: c.4713C>T on transcript NM_000548.5 (MANE Select); coding-DNA position 4713, C replaced by T.
Protein change: p.Tyr1571=; no amino-acid change (tyrosine 1571 retained).
Molecular consequence: synonymous variant.
Genome position (GRCh38, 1-based): chr16:2,086,243, C>T. VCF-style: chr16-2086243-C-T. GRCh37 (hg19) VCF-style: chr16-2136244-C-T.
Other names: c.4512C>T, p.Tyr1504= (NM_001077183.3); c.4644C>T, p.Tyr1548= (NM_001114382.3); c.4404C>T, p.Tyr1468= (NM_001318827.2); c.4368C>T, p.Tyr1456= (NM_001318829.2); c.3981C>T, p.Tyr1327= (NM_001318831.2); c.4545C>T, p.Tyr1515= (NM_001318832.2); c.4515C>T, p.Tyr1505= (NM_001363528.2); c.4581C>T, p.Tyr1527= (NM_001370404.1); and 1 more.
Identifiers: ClinVar variation 1397933 (VCV001397933.11), dbSNP rs45517366, ClinGen allele CA493043524.

ClinVar aggregate classification (germline): Benign/Likely benign. Review status: criteria provided, multiple submitters, no conflicts (2 of 4 stars). 4 submissions from 4 submitters: Benign (1); Likely benign (3). Last evaluated 2025-06-04.

Conditions:
Hereditary cancer-predisposing syndrome. Also called: Hereditary neoplastic syndrome; Neoplastic Syndromes, Hereditary; Hereditary Cancer Syndrome; Tumor predisposition. Identifiers: Orphanet 140162, MedGen C0027672, MeSH D009386, MONDO:0015356.
Tuberous sclerosis 2 (TSC2). Identifiers: Orphanet 805, MedGen C1860707, MONDO:0013199, OMIM 613254.
Tuberous sclerosis syndrome (TSC). Also called: Tuberous Sclerosis Complex; Tuberous sclerosis. Identifiers: Orphanet 805, MedGen C0041341, MONDO:0001734.

Allele frequency attached by ClinVar (database versions not stated): gnomAD exomes below 0.00001; TOPMed 0.00002.
gnomAD v4.1: 5 of 1,612,804 alleles (0.00031%); highest among the groups gnomAD compares: Non-Finnish European, 0.00042%; no homozygotes.

Submissions (4):

Myriad Genetics, Inc.
Classification: Benign for Tuberous sclerosis 2. Last evaluated: 2025-06-04. Review status: criteria provided, single submitter. Criteria: Myriad Autosomal Dominant, Autosomal Recessive and X-Linked Classification Criteria (2023). Collection method: clinical testing. Allele origin: unknown.
Comment: This variant is considered benign. This variant is a silent/synonymous amino acid change and it is not expected to impact splicing.

Labcorp Genetics (formerly Invitae), Labcorp
Classification: Likely benign for Tuberous sclerosis 2. Last evaluated: 2024-04-07. Review status: criteria provided, single submitter. Criteria: Invitae Variant Classification Sherloc (09022015). Collection method: clinical testing. Allele origin: germline.

Color Diagnostics, LLC DBA Color Health
Classification: Likely benign for Tuberous sclerosis syndrome. Last evaluated: 2022-11-06. Review status: criteria provided, single submitter. Criteria: ACMG Guidelines, 2015. Collection method: clinical testing. Allele origin: germline.

Ambry Genetics
Classification: Likely benign for Hereditary cancer-predisposing syndrome. Last evaluated: 2021-12-11. Review status: criteria provided, single submitter. Criteria: Ambry Variant Classification Scheme 2023. Collection method: clinical testing. Allele origin: germline.